The following is an entry in ClinVar:

ClinVar aggregate classification (germline): Uncertain significance (1 of 4 stars; one submission).

gnomAD v4.1: 2 of 1,612,640 alleles (0.00012%); highest among the groups gnomAD compares: Non-Finnish European, 0.00017%; no homozygotes.

Submission:

Labcorp Genetics (formerly Invitae), Labcorp
Classification: Uncertain significance. Last evaluated: 2025-07-18. Review status: criteria provided, single submitter. Criteria: Invitae Variant Classification Sherloc (09022015). Collection method: clinical testing. Allele origin: germline.
Comment: This sequence change replaces lysine, which is basic and polar, with methionine, which is neutral and non-polar, at codon 620 of the EMC1 protein (p.Lys620Met). This variant is present in population databases (no rsID available, gnomAD 0.0009%). This variant has not been reported in the literature in individuals affected with EMC1-related conditions. Invitae Evidence Modeling of protein sequence and biophysical properties (such as structural, functional, and spatial information, amino acid conservation, physicochemical variation, residue mobility, and thermodynamic stability) indicates that this missense variant is not expected to disrupt EMC1 protein function with a negative predictive value of 80%. Algorithms developed to predict the effect of sequence changes on RNA splicing suggest that this variant may create or strengthen a splice site. In summary, the available evidence is currently insufficient to determine the role of this variant in disease. Therefore, it has been classified as a Variant of Uncertain Significance.

NM_015047.3(EMC1):c.1859A>T (p.Lys620Met)

Genes: EMC1 (ER membrane protein complex subunit 1; minus strand), EMC1-AS1 (EMC1 antisense RNA 1; plus strand). Cytogenetic location: 1p36.13.
Variant type: single nucleotide variant.
Coding change: c.1859A>T on transcript NM_015047.3 (MANE Select); coding-DNA position 1859, A replaced by T.
Protein change: p.Lys620Met; replaces lysine 620 with methionine.
Molecular consequence: missense variant.
Genome position (GRCh38, 1-based): chr1:19,231,346, T>A on the plus strand (A>T on the coding strand, the complement: EMC1 is on the minus strand). VCF-style: chr1-19231346-T-A. GRCh37 (hg19) VCF-style: chr1-19557840-T-A.
Other names: c.1793A>T, p.Lys598Met (NM_001271429.2); c.1868A>T, p.Lys623Met (NM_001375820.1); c.1865A>T, p.Lys622Met (NM_001375821.1); c.1856A>T, p.Lys619Met (NM_001271428.2, NM_001271427.2); short protein forms K598M, K623M, K619M, K620M, K622M.
Identifiers: ClinVar variation 4770857 (VCV004770857.1).